The following is an entry in ClinVar:

NM_004817.4(TJP2):c.491A>G (p.His164Arg)

Gene: TJP2 (tight junction protein 2; plus strand). Cytogenetic location: 9q21.11.
Variant type: single nucleotide variant.
Coding change: c.491A>G on transcript NM_004817.4 (MANE Select); coding-DNA position 491, A replaced by G.
Protein change: p.His164Arg; replaces histidine 164 with arginine.
Molecular consequence: missense variant.
Genome position (GRCh38, 1-based): chr9:69,221,035, A>G. VCF-style: chr9-69221035-A-G. GRCh37 (hg19) VCF-style: chr9-71835951-A-G.
Other names: c.491A>G, p.His164Arg (LRG_1201t1, NM_001369872.1, NM_001369873.1 and 1 more transcripts); c.422A>G, p.His141Arg (NM_001170414.2, NM_001369870.1, NM_001369871.1); c.503A>G, p.His168Arg (NM_001170415.1, NM_001369874.1, NM_001369875.1); c.584A>G, p.His195Arg (NM_001170416.2); c.491A>G (NM_004817.3); short protein forms H164R, H141R, H168R, H195R.
Identifiers: ClinVar variation 593435 (VCV000593435.7), dbSNP rs749563094, ClinGen allele CA5073017.
Genomic context (GRCh38, chr9:69,221,035, plus strand): 5'-ACGAGTTTGATGGCAGAAGTTTCCGGAGTGGCTACAGCGAGAGGAGCCGGCTGAACAGCC[A>G]TGGGGGGCGCAGCCGCAGCTGGGAGGACAGCCCGGAAAGGGGGCGTCCCCATGAGCGGGC-3'
Protein context (NP_004808.2, residues 154-174): GYSERSRLNS[His164Arg]GGRSRSWEDS

ClinVar aggregate classification (germline): Conflicting classifications of pathogenicity. Review status: criteria provided, conflicting classifications (1 of 4 stars). 3 submissions from 3 submitters: Uncertain significance (2); Likely benign (1). Last evaluated 2026-03-09.

Conditions:
Inborn genetic diseases. Identifiers: MedGen C0950123, MeSH D030342.
TJP2-related disorder. Also called: TJP2-related condition.

Allele frequency attached by ClinVar (database versions not stated): ExAC 0.00001; gnomAD exomes 0.00001 and 0.00002; TOPMed 0.00001.
gnomAD v4.1: 8 of 1,608,412 alleles (0.0005%); highest among the groups gnomAD compares: Middle Eastern, 0.019%; no homozygotes.

Submissions (3):

PreventionGenetics, part of Exact Sciences
Classification: Uncertain significance for TJP2-related condition. Last evaluated: 2026-03-09. Review status: criteria provided, single submitter. Criteria: ACMG Guidelines, 2015. Collection method: clinical testing. Allele origin: germline.
Comment: The TJP2 c.491A>G variant is predicted to result in the amino acid substitution p.His164Arg. To our knowledge, this variant has not been reported in the literature. This variant is reported in 0.015% of alleles in individuals of Latino descent in gnomAD. At this time, the clinical significance of this variant is uncertain due to the absence of conclusive functional and genetic evidence.

Ambry Genetics
Classification: Likely benign for Inborn genetic diseases. Last evaluated: 2024-10-22. Review status: criteria provided, single submitter. Criteria: Ambry Variant Classification Scheme 2023. Collection method: clinical testing. Allele origin: germline.

Eurofins Ntd Llc (ga)
Classification: Uncertain significance. Last evaluated: 2017-07-25. Review status: criteria provided, single submitter. Criteria: EGL Classification Definitions 2015. Collection method: clinical testing. Allele origin: germline. Observed: 2 variant alleles, 2 heterozygotes.